The following is an entry in ClinVar:

NM_000350.3(ABCA4):c.3974C>T (p.Pro1325Leu)

Gene: ABCA4 (ATP binding cassette subfamily A member 4; minus strand). Cytogenetic location: 1p22.1.
Variant type: single nucleotide variant.
Coding change: c.3974C>T on transcript NM_000350.3 (MANE Select); coding-DNA position 3974, C replaced by T.
Protein change: p.Pro1325Leu; replaces proline 1325 with leucine.
Molecular consequence: missense variant.
Genome position (GRCh38, 1-based): chr1:94,031,932, G>A on the plus strand (C>T on the coding strand, the complement: ABCA4 is on the minus strand). VCF-style: chr1-94031932-G-A. GRCh37 (hg19) VCF-style: chr1-94497488-G-A.
Other names: c.3752C>T, p.Pro1251Leu (NM_001425324.1); c.3974C>T (NM_000350.2); short protein forms P1325L, P1251L.
Identifiers: ClinVar variation 1349185 (VCV001349185.9), dbSNP rs371582683, ClinGen allele CA957756.

ClinVar aggregate classification (germline): Uncertain significance. Review status: criteria provided, multiple submitters, no conflicts (2 of 4 stars). 5 submissions from 5 submitters: Uncertain significance (4). 1 of the submissions does not count toward it. Last evaluated 2025-11-26.

Conditions:
Retinal dystrophy. Also called: Inherited retinal dystrophy. Identifiers: Orphanet 71862, MedGen C0854723, MeSH D058499, MONDO:0019118, HP:0000556.
ABCA4-related disorder. Also called: ABCA4-related condition; ABCA4-related disorders. Identifiers: MedGen CN239167.
Inborn genetic diseases. Identifiers: MedGen C0950123, MeSH D030342.

Allele frequency attached by ClinVar (database versions not stated): gnomAD exomes 0.00001 and 0.00005; ExAC 0.00002; gnomAD 0.00003 and 0.00004; TOPMed 0.00003; ESP Exome Variant Server 0.00008.
gnomAD v4.1: 71 of 1,614,028 alleles (0.0044%); highest among the groups gnomAD compares: Non-Finnish European, 0.0057%; no homozygotes.

Submissions (5):

PreventionGenetics, part of Exact Sciences
Classification: Uncertain significance for ABCA4-related condition. Last evaluated: 2025-11-26. Review status: criteria provided, single submitter. Criteria: ACMG Guidelines, 2015. Collection method: clinical testing. Allele origin: germline.
Comment: The ABCA4 c.3974C>T variant is predicted to result in the amino acid substitution p.Pro1325Leu. To our knowledge, this variant has not been reported in the literature. This variant is reported in 0.0029% of alleles in individuals of Latino descent in gnomAD. At this time, the clinical significance of this variant is uncertain due to the absence of conclusive functional and genetic evidence.

Ambry Genetics
Classification: Uncertain significance for Inborn genetic diseases. Last evaluated: 2023-10-05. Review status: criteria provided, single submitter. Criteria: Ambry Variant Classification Scheme 2023. Collection method: clinical testing. Allele origin: germline.

Labcorp Genetics (formerly Invitae), Labcorp
Classification: Uncertain significance. Last evaluated: 2022-02-02. Review status: criteria provided, single submitter. Criteria: Invitae Variant Classification Sherloc (09022015). Collection method: clinical testing. Allele origin: germline.
Comment: This sequence change replaces proline, which is neutral and non-polar, with leucine, which is neutral and non-polar, at codon 1325 of the ABCA4 protein (p.Pro1325Leu). This variant is present in population databases (rs371582683, gnomAD 0.002%). This variant has not been reported in the literature in individuals affected with ABCA4-related conditions. Advanced modeling of protein sequence and biophysical properties (such as structural, functional, and spatial information, amino acid conservation, physicochemical variation, residue mobility, and thermodynamic stability) performed at Invitae indicates that this missense variant is not expected to disrupt ABCA4 protein function. In summary, the available evidence is currently insufficient to determine the role of this variant in disease. Therefore, it has been classified as a Variant of Uncertain Significance.

Blueprint Genetics
Classification: Uncertain significance. Last evaluated: 2020-06-11. Review status: criteria provided, single submitter. Criteria: ACMG Guidelines, 2015. Collection method: clinical testing. Allele origin: germline.

Institute of Human Genetics, Univ. Regensburg, Univ. Regensburg
Classification: Uncertain significance for Retinal dystrophy. Last evaluated: 2011-01-01. Review status: no assertion criteria provided. Criteria: ACMG Guidelines, 2015. Collection method: clinical testing. Allele origin: germline. Affected: yes. Not counted in ClinVar's aggregate classification.